The following is an entry in ClinVar:

NM_014319.5(LEMD3):c.1026G>C (p.Gln342His)

Gene: LEMD3 (LEM domain containing 3; plus strand). Cytogenetic location: 12q14.3.
Variant type: single nucleotide variant.
Coding change: c.1026G>C on transcript NM_014319.5 (MANE Select); coding-DNA position 1026, G replaced by C.
Protein change: p.Gln342His; replaces glutamine 342 with histidine.
Molecular consequence: missense variant.
Genome position (GRCh38, 1-based): chr12:65,170,622, G>C. VCF-style: chr12-65170622-G-C. GRCh37 (hg19) VCF-style: chr12-65564402-G-C.
Other names: c.1026G>C, p.Gln342His (NM_001167614.2); short protein forms Q342H.
Identifiers: ClinVar variation 2005968 (VCV002005968.4), dbSNP rs1868509423, ClinGen allele CA385674774.
Genomic context (GRCh38, chr12:65,170,622, plus strand): 5'-GGCGGCTGCCGGGAGTCTAGACAGGAGCCGAAACCTCGAAGAGGCGGCGGCCGCGGAGCA[G>C]GGAGGAGGGTGTGATCAAGTGGACTCCAGCCCCGTTCCTAGATACCGTGTTAACGCTAAG-3'
Protein context (NP_055134.2, residues 332-352): RNLEEAAAAE[Gln342His]GGGCDQVDSS

ClinVar aggregate classification (germline): Uncertain significance (1 of 4 stars; one submission).

Allele frequency attached by ClinVar (database versions not stated): TOPMed below 0.00001.

Submission:

Labcorp Genetics (formerly Invitae), Labcorp
Classification: Uncertain significance. Last evaluated: 2022-06-13. Review status: criteria provided, single submitter. Criteria: Invitae Variant Classification Sherloc (09022015). Collection method: clinical testing. Allele origin: germline.
Comment: This sequence change replaces glutamine, which is neutral and polar, with histidine, which is basic and polar, at codon 342 of the LEMD3 protein (p.Gln342His). This variant is not present in population databases (gnomAD no frequency). This variant has not been reported in the literature in individuals affected with LEMD3-related conditions. Algorithms developed to predict the effect of missense changes on protein structure and function (SIFT, PolyPhen-2, Align-GVGD) all suggest that this variant is likely to be tolerated. In summary, the available evidence is currently insufficient to determine the role of this variant in disease. Therefore, it has been classified as a Variant of Uncertain Significance.